The following is an entry in ClinVar:

ClinVar aggregate classification (germline): Pathogenic (1 of 4 stars; one submission).

Conditions:
AHDC1-related intellectual disability - obstructive sleep apnea - mild dysmorphism syndrome. Also called: Xia-Gibbs syndrome. Identifiers: Orphanet 412069, MedGen C4014419, MONDO:0014358, OMIM 615829.

Submission:

Laboratory of genome editing, Research Centre for Medical Genetics
Classification: Pathogenic for AHDC1-related intellectual disability - obstructive sleep apnea - mild dysmorphism syndrome. Last evaluated: 2022-07-14. Review status: criteria provided, single submitter. Criteria: ACMG Guidelines, 2015. Collection method: clinical testing. Allele origin: de novo. Inheritance: Autosomal dominant inheritance. Affected: yes. Observed: 1 heterozygote.
Comment: PVS1, PS2, PM2

Literature cited by the submitters: PubMed 35887114.

NM_001371928.1(AHDC1):c.1181_1182del (p.Cys394fs)

Gene: AHDC1 (AT-hook DNA binding motif containing 1; minus strand). Cytogenetic location: 1p36.11.
Variant type: Microsatellite.
Coding change: c.1181_1182del on transcript NM_001371928.1 (MANE Select); coding-DNA positions 1181 to 1182, 2 bases deleted (GT; older notation c.1181_1182delGT).
Protein change: p.Cys394fs; shifts the reading frame from cysteine 394.
Molecular consequence: frameshift variant.
Genome position (GRCh38, 1-based): chr1:27,550,934-27,550,935, AC deleted on the plus strand (GT on the coding strand, the reverse complement: AHDC1 is on the minus strand); deleting any 2 consecutive bases within chr1:27,550,934-27,550,938 gives the same sequence; the c. name uses the placement nearest the transcript's 3' end. VCF-style (leftmost placement, unchanged base first): chr1-27550933-GAC-G. GRCh37 (hg19) VCF-style: chr1-27877444-GAC-G.
Other names: c.1181_1182del, p.Cys394fs (NM_001029882.3); short protein forms C394fs.
Identifiers: ClinVar variation 1700688 (VCV001700688.2), dbSNP rs2148288765, ClinGen allele CA2580611156.